The following is an entry in ClinVar:

ClinVar aggregate classification (germline): Pathogenic (1 of 4 stars; one submission).

Submission:

Labcorp Genetics (formerly Invitae), Labcorp
Classification: Pathogenic. Last evaluated: 2024-02-16. Review status: criteria provided, single submitter. Criteria: Invitae Variant Classification Sherloc (09022015). Collection method: clinical testing. Allele origin: germline.
Comment: This sequence change creates a premature translational stop signal (p.Gly817Trpfs*8) in the COL27A1 gene. It is expected to result in an absent or disrupted protein product. Loss-of-function variants in COL27A1 are known to be pathogenic (PMID: 24986830, 28276056). This variant is not present in population databases (gnomAD no frequency). This variant has not been reported in the literature in individuals affected with COL27A1-related conditions. For these reasons, this variant has been classified as Pathogenic.

Literature cited by the submitters: PubMed 24986830; PubMed 28276056.

NM_032888.4(COL27A1):c.2447dup (p.Gly817fs)

Gene: COL27A1 (collagen type XXVII alpha 1 chain; plus strand). Cytogenetic location: 9q32.
Variant type: Duplication.
Coding change: c.2447dup on transcript NM_032888.4 (MANE Select); coding-DNA position 2447, one base duplicated (C; older notation c.2447dupC).
Protein change: p.Gly817fs; shifts the reading frame from glycine 817.
Molecular consequence: frameshift variant.
Genome position (GRCh38, 1-based): chr9:114,222,248, C duplicated; the last of 6 consecutive C bases (chr9:114,222,243-114,222,248); duplicating any one gives the same sequence. VCF-style (leftmost placement, unchanged base first): chr9-114222242-G-GC. GRCh37 (hg19) VCF-style: chr9-116984522-G-GC.
Other names: short protein forms G817fs.
Identifiers: ClinVar variation 3707517 (VCV003707517.2).